The following is an entry in ClinVar:

NM_007348.4(ATF6):c.695C>T (p.Thr232Met)

Gene: ATF6 (activating transcription factor 6; plus strand). Cytogenetic location: 1q23.3.
Variant type: single nucleotide variant.
Coding change: c.695C>T on transcript NM_007348.4 (MANE Select); coding-DNA position 695, C replaced by T.
Protein change: p.Thr232Met; replaces threonine 232 with methionine.
Molecular consequence: missense variant.
Genome position (GRCh38, 1-based): chr1:161,802,058, C>T. VCF-style: chr1-161802058-C-T. GRCh37 (hg19) VCF-style: chr1-161771848-C-T.
Other names: c.695C>T (NM_007348.3); short protein forms T232M.
Identifiers: ClinVar variation 1476625 (VCV001476625.8), dbSNP rs768955438, ClinGen allele CA1214283.
Genomic context (GRCh38, chr1:161,802,058, plus strand): 5'-CCCCTGCCACAGTAGTTGTGTACCCTTTGATTCCTTTTCTTTTTTCTAACGCAGGCCAGA[C>T]GGTTTTGCTGTCTCAGCCTACTGTGGTACAACTTCAAGCACCTGGAGTTCTGCCCTCTGC-3'
Protein context (NP_031374.2, residues 222-242): SLQPAPTKGQ[Thr232Met]VLLSQPTVVQ

ClinVar aggregate classification (germline): Uncertain significance. Review status: criteria provided, multiple submitters, no conflicts (2 of 4 stars). 2 submissions from 2 submitters: Uncertain significance (2). Last evaluated 2022-10-24.

Conditions:
Inborn genetic diseases. Identifiers: MedGen C0950123, MeSH D030342.

Allele frequency attached by ClinVar (database versions not stated): gnomAD 0.00001; gnomAD exomes 0.00001 and 0.00002; ExAC 0.00002; TOPMed 0.00002.
gnomAD v4.1: 28 of 1,613,868 alleles (0.0017%); highest among the groups gnomAD compares: South Asian, 0.0022%; no homozygotes.

Submissions (2):

Labcorp Genetics (formerly Invitae), Labcorp
Classification: Uncertain significance. Last evaluated: 2022-10-24. Review status: criteria provided, single submitter. Criteria: Invitae Variant Classification Sherloc (09022015). Collection method: clinical testing. Allele origin: germline.
Comment: In summary, the available evidence is currently insufficient to determine the role of this variant in disease. Therefore, it has been classified as a Variant of Uncertain Significance. Advanced modeling of protein sequence and biophysical properties (such as structural, functional, and spatial information, amino acid conservation, physicochemical variation, residue mobility, and thermodynamic stability) performed at Invitae indicates that this missense variant is not expected to disrupt ATF6 protein function. ClinVar contains an entry for this variant (Variation ID: 1476625). This variant has not been reported in the literature in individuals affected with ATF6-related conditions. This variant is present in population databases (rs768955438, gnomAD 0.007%). This sequence change replaces threonine, which is neutral and polar, with methionine, which is neutral and non-polar, at codon 232 of the ATF6 protein (p.Thr232Met).

Ambry Genetics
Classification: Uncertain significance for Inborn genetic diseases. Last evaluated: 2022-10-06. Review status: criteria provided, single submitter. Criteria: Ambry Variant Classification Scheme 2023. Collection method: clinical testing. Allele origin: germline.